The following is an entry in ClinVar:

NM_002439.5(MSH3):c.1055A>T (p.Asp352Val)

Gene: MSH3 (mutS homolog 3; plus strand). Cytogenetic location: 5q14.1.
Variant type: single nucleotide variant.
Coding change: c.1055A>T on transcript NM_002439.5 (MANE Select); coding-DNA position 1055, A replaced by T.
Protein change: p.Asp352Val; replaces aspartic acid 352 with valine.
Molecular consequence: missense variant.
Genome position (GRCh38, 1-based): chr5:80,675,010, A>T. VCF-style: chr5-80675010-A-T. GRCh37 (hg19) VCF-style: chr5-79970829-A-T.
Other names: short protein forms D352V.
Identifiers: ClinVar variation 2586069 (VCV002586069.6), dbSNP rs2112815953, ClinGen allele CA360267914.
Genomic context (GRCh38, chr5:80,675,010, plus strand): 5'-AGCATATAATTATTTTTCTTTAATTATTATTAAATGTGAATCCCCTAATCAAGCTGGATG[A>T]TGCTGTAAATGTTGATGAGATAATGACTGATACTTCTACCAGCTATCTTCTGTGCATCTC-3'
Protein context (NP_002430.3, residues 342-362): EDVNPLIKLD[Asp352Val]AVNVDEIMTD

ClinVar aggregate classification (germline): Uncertain significance. Review status: criteria provided, multiple submitters, no conflicts (2 of 4 stars). 3 submissions from 3 submitters: Uncertain significance (3). Last evaluated 2025-12-08.

Conditions:
Hereditary cancer-predisposing syndrome. Also called: Hereditary neoplastic syndrome; Tumor predisposition; Hereditary Cancer Syndrome; Neoplastic Syndromes, Hereditary. Identifiers: Orphanet 140162, MedGen C0027672, MeSH D009386, MONDO:0015356.
Endometrial carcinoma. Also called: Endometrial carcinoma, somatic. Identifiers: MedGen C0476089, MONDO:0002447, OMIM 608089, HP:0012114.

gnomAD v4.1: 1 of 1,610,664 alleles (0.000062%); highest among the groups gnomAD compares: Non-Finnish European, 0.000085%; no homozygotes.

Submissions (3):

Ambry Genetics
Classification: Uncertain significance for Hereditary cancer-predisposing syndrome. Last evaluated: 2025-12-08. Review status: criteria provided, single submitter. Criteria: Ambry Variant Classification Scheme 2023. Collection method: clinical testing. Allele origin: germline.
Comment: The p.D352V variant (also known as c.1055A>T), located in coding exon 7 of the MSH3 gene, results from an A to T substitution at nucleotide position 1055. The aspartic acid at codon 352 is replaced by valine, an amino acid with highly dissimilar properties. This amino acid position is conserved. In addition, the in silico prediction for this alteration is inconclusive. Since supporting evidence is limited at this time, the clinical significance of this alteration remains unclear.

Labcorp Genetics (formerly Invitae), Labcorp
Classification: Uncertain significance. Last evaluated: 2024-08-30. Review status: criteria provided, single submitter. Criteria: Invitae Variant Classification Sherloc (09022015). Collection method: clinical testing. Allele origin: germline.
Comment: This sequence change replaces aspartic acid, which is acidic and polar, with valine, which is neutral and non-polar, at codon 352 of the MSH3 protein (p.Asp352Val). This variant is not present in population databases (gnomAD no frequency). This variant has not been reported in the literature in individuals affected with MSH3-related conditions. ClinVar contains an entry for this variant (Variation ID: 2586069). An algorithm developed to predict the effect of missense changes on protein structure and function (PolyPhen-2) suggests that this variant is likely to be disruptive. In summary, the available evidence is currently insufficient to determine the role of this variant in disease. Therefore, it has been classified as a Variant of Uncertain Significance.

Baylor Genetics
Classification: Uncertain significance for Endometrial carcinoma. Last evaluated: 2023-10-19. Review status: criteria provided, single submitter. Criteria: ACMG Guidelines, 2015. Collection method: clinical testing. Allele origin: unknown.